The following is an entry in ClinVar:

ClinVar aggregate classification (germline): Uncertain significance (1 of 4 stars; one submission).

gnomAD v4.1: 2 of 1,528,096 alleles (0.00013%); highest among the groups gnomAD compares: Non-Finnish European, 0.00018%; no homozygotes.

Submission:

GeneDx
Classification: Uncertain significance. Last evaluated: 2024-01-29. Review status: criteria provided, single submitter. Criteria: GeneDx Variant Classification Process June 2021. Collection method: clinical testing. Allele origin: germline. Affected: yes.
Comment: Not observed at significant frequency in large population cohorts (gnomAD); In silico analysis supports that this missense variant does not alter protein structure/function; Has not been previously published as pathogenic or benign to our knowledge

NM_006618.5(KDM5B):c.721A>G (p.Ile241Val)

Gene: KDM5B (lysine demethylase 5B; minus strand). Cytogenetic location: 1q32.1.
Variant type: single nucleotide variant.
Coding change: c.721A>G on transcript NM_006618.5 (MANE Select); coding-DNA position 721, A replaced by G.
Protein change: p.Ile241Val; replaces isoleucine 241 with valine.
Molecular consequence: missense variant.
Genome position (GRCh38, 1-based): chr1:202,764,136, T>C on the plus strand (A>G on the coding strand, the complement: KDM5B is on the minus strand). VCF-style: chr1-202764136-T-C. GRCh37 (hg19) VCF-style: chr1-202733264-T-C.
Other names: c.829A>G, p.Ile277Val (NM_001314042.2); c.586A>G, p.Ile196Val (NM_001347591.2); c.706A>G, p.Ile236Val (NM_001399817.1); short protein forms I196V, I236V, I241V, I277V.
Identifiers: ClinVar variation 3368435 (VCV003368435.1).